The following is an entry in ClinVar:

NM_000219.6(KCNE1):c.14A>T (p.Asn5Ile)

Gene: KCNE1 (potassium voltage-gated channel subfamily E regulatory subunit 1; minus strand). Cytogenetic location: 21q22.12.
Variant type: single nucleotide variant.
Coding change: c.14A>T on transcript NM_000219.6 (MANE Select); coding-DNA position 14, A replaced by T.
Protein change: p.Asn5Ile; replaces asparagine 5 with isoleucine.
Molecular consequence: missense variant.
Genome position (GRCh38, 1-based): chr21:34,449,621, T>A on the plus strand (A>T on the coding strand, the complement: KCNE1 is on the minus strand). VCF-style: chr21-34449621-T-A. GRCh37 (hg19) VCF-style: chr21-35821919-T-A.
Other names: c.14A>T, p.Asn5Ile (NM_001127668.4, NM_001127669.4, NM_001127670.4 and 4 more transcripts); short protein forms N5I.
Identifiers: ClinVar variation 3374161 (VCV003374161.2).

Conditions:
Long QT syndrome 5 (LQT5). Identifiers: Orphanet 101016, Orphanet 768, MedGen C1867904, MONDO:0013372, OMIM 613695.

Submission:

Roden Lab, Vanderbilt University Medical Center
No classification provided (evidence only). Condition: Long QT syndrome 5. Review status: no classification provided. Collection method: in vitro. Allele origin: not applicable. Functional consequence: Effect on ion channel function.
ClinVar note: "not provided" was previously submitted as the classification for the variant. However, the classification appeared to be based only on an observation of functional data so it was converted to no classification on 2025-07-30.